The following is an entry in ClinVar:

ClinVar aggregate classification (germline): Uncertain significance. Review status: criteria provided, multiple submitters, no conflicts (2 of 4 stars). 2 submissions from 2 submitters: Uncertain significance (2). Last evaluated 2025-08-12.

Allele frequency attached by ClinVar (database versions not stated): ExAC 0.00001.
gnomAD v4.1: 17 of 1,613,442 alleles (0.0011%); highest among the groups gnomAD compares: Middle Eastern, 0.016%; no homozygotes.

Submissions (2):

Ambry Genetics
Classification: Uncertain significance. Last evaluated: 2025-08-12. Review status: criteria provided, single submitter. Criteria: Ambry Variant Classification Scheme 2023. Collection method: clinical testing. Allele origin: germline.

Labcorp Genetics (formerly Invitae), Labcorp
Classification: Uncertain significance. Last evaluated: 2022-11-07. Review status: criteria provided, single submitter. Criteria: Invitae Variant Classification Sherloc (09022015). Collection method: clinical testing. Allele origin: germline.
Comment: In summary, the available evidence is currently insufficient to determine the role of this variant in disease. Therefore, it has been classified as a Variant of Uncertain Significance. Algorithms developed to predict the effect of missense changes on protein structure and function are either unavailable or do not agree on the potential impact of this missense change (SIFT: "Tolerated"; PolyPhen-2: "Probably Damaging"; Align-GVGD: "Class C0"). This variant has not been reported in the literature in individuals affected with SUCO-related conditions. This variant is present in population databases (rs199640710, gnomAD 0.006%). This sequence change replaces arginine, which is basic and polar, with glutamine, which is neutral and polar, at codon 1034 of the SUCO protein (p.Arg1034Gln).

NM_014283.5(SUCO):c.3101G>A (p.Arg1034Gln)

Gene: SUCO (SUN domain containing ossification factor; plus strand). Cytogenetic location: 1q24.3.
Variant type: single nucleotide variant.
Coding change: c.3101G>A on transcript NM_014283.5 (MANE Select); coding-DNA position 3101, G replaced by A.
Protein change: p.Arg1034Gln; replaces arginine 1034 with glutamine.
Molecular consequence: missense variant.
Genome position (GRCh38, 1-based): chr1:172,602,146, G>A. VCF-style: chr1-172602146-G-A. GRCh37 (hg19) VCF-style: chr1-172571286-G-A.
Other names: c.1988G>A, p.Arg663Gln (NM_001282750.2); c.1412G>A, p.Arg471Gln (NM_001282751.2); c.3554G>A, p.Arg1185Gln (NM_016227.4); c.3101G>A (NM_014283.3); short protein forms R1034Q, R471Q, R1185Q, R663Q.
Identifiers: ClinVar variation 2165338 (VCV002165338.5), dbSNP rs199640710, ClinGen allele CA1247238.
Genomic context (GRCh38, chr1:172,602,146, plus strand): 5'-TTGTCATATCTTTGGTTCTTTGTGTTGTCTTGGGACTGATGCTTTGTATGCAGCGTTGTC[G>A]AAATACTTCTCAATTTGATGGAGATTATATTTCAAAACTTCCTAAAAGTAATCAGTATCC-3'
Protein context (NP_055098.1, residues 1024-1044): LGLMLCMQRC[Arg1034Gln]NTSQFDGDYI